The following is an entry in ClinVar:

ClinVar aggregate classification (germline): Uncertain significance (1 of 4 stars; one submission).

gnomAD v4.1: 11 of 1,204,486 alleles (0.00091%); highest among the groups gnomAD compares: South Asian, 0.019%; no homozygotes.

Submission:

Women's Health and Genetics/Laboratory Corporation of America, LabCorp
Classification: Uncertain significance. Last evaluated: 2025-02-05. Review status: criteria provided, single submitter. Criteria: LabCorp Variant Classification Summary - May 2015. Collection method: clinical testing. Allele origin: germline.
Comment: Variant summary: CUL4B c.638C>T (p.Thr213Ile) results in a non-conservative amino acid change in the encoded protein sequence. Three of five in-silico tools predict a benign effect of the variant on protein function. The variant allele was found at a frequency of 9.1e-06 in 1204486 control chromosomes. This frequency is not significantly higher than estimated for a pathogenic variant in CUL4B causing X-linked intellectual disability Cabezas type, allowing no conclusion about variant significance. c.638C>T has been reported in the literature in at least two related hemizygous individuals affected with X-linked intellectual disability (e.g., Tarpey_2007). These data indicate that the variant may be associated with disease. Two publications report experimental evidence evaluating an impact on protein function, demonstrating reduced CSN binding and activation and protein stability (e.g., Nawagawa_2011, Kerzendorfer_2010). The following publications have been ascertained in the context of this evaluation (PMID: 20064923, 21816345, 17236139). No submitters have cited clinical-significance assessments for this variant to ClinVar. Based on the evidence outlined above, the variant was classified as VUS-possibly pathogenic.

Literature cited by the submitters: PubMed 20064923; PubMed 21816345; PubMed 17236139.

NM_001079872.2(CUL4B):c.584C>T (p.Thr195Ile)

Gene: CUL4B (cullin 4B; minus strand). Cytogenetic location: Xq24.
Variant type: single nucleotide variant.
Coding change: c.584C>T on transcript NM_001079872.2 (MANE Select); coding-DNA position 584, C replaced by T.
Protein change: p.Thr195Ile; replaces threonine 195 with isoleucine.
Molecular consequence: missense variant.
Genome position (GRCh38, 1-based): chrX:120,558,012, G>A on the plus strand (C>T on the coding strand, the complement: CUL4B is on the minus strand). VCF-style: chrX-120558012-G-A. GRCh37 (hg19) VCF-style: chrX-119691867-G-A.
Other names: c.599C>T, p.Thr200Ile (NM_001330624.2); c.50C>T, p.Thr17Ile (NM_001369145.1); c.638C>T, p.Thr213Ile (NM_003588.4); short protein forms T17I, T195I, T200I, T213I.
Identifiers: ClinVar variation 3768739 (VCV003768739.1).